The following is an entry in ClinVar:

ClinVar aggregate classification (germline): Uncertain significance. Review status: criteria provided, multiple submitters, no conflicts (2 of 4 stars). 3 submissions from 3 submitters: Uncertain significance (3). Last evaluated 2024-03-24.

Conditions:
Catecholaminergic polymorphic ventricular tachycardia (CVPT). Also called: Catecholamine-induced polymorphic ventricular tachycardia. Identifiers: Orphanet 3286, MedGen C5574922, MONDO:0017990.
Catecholaminergic polymorphic ventricular tachycardia 1. Also called: VENTRICULAR TACHYCARDIA, CATECHOLAMINERGIC POLYMORPHIC, 1, WITH OR WITHOUT ATRIAL DYSFUNCTION AND/OR DILATED CARDIOMYOPATHY; RYR2-Related Catecholaminergic Polymorphic Ventricular Tachycardia; VENTRICULAR TACHYCARDIA, STRESS-INDUCED POLYMORPHIC 1. Identifiers: Orphanet 3286, MedGen C1631597, MONDO:0011484, OMIM 604772.
Cardiomyopathy (CMYO). Also called: Cardiomyopathies. Identifiers: Orphanet 167848, MedGen C0878544, MONDO:0004994, HP:0001638. Inheritance: Various modes of inheritance.

Allele frequency attached by ClinVar (database versions not stated): gnomAD exomes below 0.00001 and 0.00001; ExAC 0.00001.
gnomAD v4.1: 7 of 1,614,024 alleles (0.00043%); highest among the groups gnomAD compares: Non-Finnish European, 0.00059%; no homozygotes.

Submissions (3):

All of Us Research Program, National Institutes of Health
Classification: Uncertain significance for Catecholaminergic polymorphic ventricular tachycardia. Last evaluated: 2024-03-24. Review status: criteria provided, single submitter. Criteria: ACMG Guidelines, 2015. Collection method: clinical testing. Allele origin: germline. Inheritance: Autosomal dominant inheritance. Observed: 2 variant alleles, 2 heterozygotes.
Comment: This missense variant replaces isoleucine with valine at codon 1726 of the RYR2 protein. Computational prediction is inconclusive regarding the impact of this variant on protein structure and function (internally defined REVEL score threshold 0.5 < inconclusive < 0.7, PMID: 27666373). To our knowledge, functional studies have not been reported for this variant. This variant has not been reported in individuals affected with cardiovascular disorders in the literature. This variant has been identified in 1/249018 chromosomes in the general population by the Genome Aggregation Database (gnomAD). The available evidence is insufficient to determine the role of this variant in disease conclusively. Therefore, this variant is classified as a Variant of Uncertain Significance.

This study involves interpretation of variants in research participants for the purpose of population health screening. Participant phenotype was not available at the time of variant classification. Additional details can be found in publication PMID: 35346344, PMCID: PMC8962531

Color Diagnostics, LLC DBA Color Health
Classification: Uncertain significance for Cardiomyopathy. Last evaluated: 2024-03-06. Review status: criteria provided, single submitter. Criteria: ACMG Guidelines, 2015. Collection method: clinical testing. Allele origin: germline.
Comment: This missense variant replaces isoleucine with valine at codon 1726 of the RYR2 protein. Computational prediction is inconclusive regarding the impact of this variant on protein structure and function (internally defined REVEL score threshold 0.5 < inconclusive < 0.7, PMID: 27666373). To our knowledge, functional studies have not been reported for this variant. This variant has not been reported in individuals affected with cardiovascular disorders in the literature. This variant has been identified in 1/249018 chromosomes in the general population by the Genome Aggregation Database (gnomAD). The available evidence is insufficient to determine the role of this variant in disease conclusively. Therefore, this variant is classified as a Variant of Uncertain Significance.

Labcorp Genetics (formerly Invitae), Labcorp
Classification: Uncertain significance for Catecholaminergic polymorphic ventricular tachycardia 1. Last evaluated: 2022-05-13. Review status: criteria provided, single submitter. Criteria: Invitae Variant Classification Sherloc (09022015). Collection method: clinical testing. Allele origin: germline.
Comment: This variant has not been reported in the literature in individuals affected with RYR2-related conditions. In summary, the available evidence is currently insufficient to determine the role of this variant in disease. Therefore, it has been classified as a Variant of Uncertain Significance. Advanced modeling of protein sequence and biophysical properties (such as structural, functional, and spatial information, amino acid conservation, physicochemical variation, residue mobility, and thermodynamic stability) performed at Invitae indicates that this missense variant is not expected to disrupt RYR2 protein function. ClinVar contains an entry for this variant (Variation ID: 919797). This variant is present in population databases (rs764065333, gnomAD 0.0009%). This sequence change replaces isoleucine, which is neutral and non-polar, with valine, which is neutral and non-polar, at codon 1726 of the RYR2 protein (p.Ile1726Val).

NM_001035.3(RYR2):c.5176A>G (p.Ile1726Val)

Gene: RYR2 (ryanodine receptor 2; plus strand). Cytogenetic location: 1q43.
Variant type: single nucleotide variant.
Coding change: c.5176A>G on transcript NM_001035.3 (MANE Select); coding-DNA position 5176, A replaced by G.
Protein change: p.Ile1726Val; replaces isoleucine 1726 with valine.
Molecular consequence: missense variant.
Genome position (GRCh38, 1-based): chr1:237,614,304, A>G. VCF-style: chr1-237614304-A-G. GRCh37 (hg19) VCF-style: chr1-237777604-A-G.
Other names: short protein forms I1726V.
Identifiers: ClinVar variation 919797 (VCV000919797.10), dbSNP rs764065333, ClinGen allele CA086844.